The following is an entry in ClinVar:

NM_001365088.1(SLC12A6):c.2043-301T>C

Gene: SLC12A6 (solute carrier family 12 member 6; minus strand). Cytogenetic location: 15q14.
Variant type: single nucleotide variant.
Coding change: c.2043-301T>C on transcript NM_001365088.1 (MANE Select); 301 bases into the intron before coding-DNA position 2043, T replaced by C.
Molecular consequence: intron variant.
Genome position (GRCh38, 1-based): chr15:34,242,522, A>G on the plus strand (T>C on the coding strand, the complement: SLC12A6 is on the minus strand). VCF-style: chr15-34242522-A-G. GRCh37 (hg19) VCF-style: chr15-34534723-A-G.
Other names: c.1866-301T>C (NM_001042495.2, NM_001042494.2); c.2016-301T>C (NM_001042496.2); c.1998-301T>C (NM_001042497.2); c.2043-301T>C (NM_133647.2); c.1890-301T>C (NM_005135.2).
Identifiers: ClinVar variation 669882 (VCV000669882.1), dbSNP rs16958878, ClinGen allele CA14176865.
Genomic context (GRCh38, chr15:34,242,522, plus strand): 5'-GTTGTCTTATCATGAAACAGTCGGTAGATGTGCACTAAACCCCAAACTGTCCTTTGCAAC[A>G]GAAGATGTTTCCAACTGCTGGAAAACCATATAAATAACGGAACACTATCAGTCATCTGCA-3'

ClinVar aggregate classification (germline): Benign (1 of 4 stars; one submission).

Allele frequency attached by ClinVar (database versions not stated): gnomAD 0.10487 and 0.10977; TOPMed 0.11497; 1000 Genomes Project 30x 0.16537; 1000 Genomes Project 0.16813.
gnomAD v4.1: 16,747 of 152,222 alleles (11%); highest among the groups gnomAD compares: East Asian, 28%; 1,011 homozygotes.

Submission:

GeneDx
Classification: Benign. Last evaluated: 2018-06-14. Review status: criteria provided, single submitter. Criteria: GeneDx Variant Classification (06012015). Collection method: clinical testing. Allele origin: germline. Affected: yes.
Comment: This variant is considered likely benign or benign based on one or more of the following criteria: it is a conservative change, it occurs at a poorly conserved position in the protein, it is predicted to be benign by multiple in silico algorithms, and/or has population frequency not consistent with disease.